The following is an entry in ClinVar:

ClinVar aggregate classification (germline): Uncertain significance. Review status: criteria provided, multiple submitters, no conflicts (2 of 4 stars). 2 submissions from 2 submitters: Uncertain significance (2). Last evaluated 2025-08-06.

Conditions:
SORL1-related disorder. Also called: SORL1-related condition.

Allele frequency attached by ClinVar (database versions not stated): ESP Exome Variant Server 0.00016; TOPMed 0.00017; gnomAD 0.00020.
gnomAD v4.1: 260 of 1,511,122 alleles (0.017%); highest among the groups gnomAD compares: Non-Finnish European, 0.021%; no homozygotes.

Submissions (2):

Labcorp Genetics (formerly Invitae), Labcorp
Classification: Uncertain significance. Last evaluated: 2025-08-06. Review status: criteria provided, single submitter. Criteria: Invitae Variant Classification Sherloc (09022015). Collection method: clinical testing. Allele origin: germline.
Comment: This sequence change replaces proline, which is neutral and non-polar, with leucine, which is neutral and non-polar, at codon 76 of the SORL1 protein (p.Pro76Leu). This variant is present in population databases (rs372705427, gnomAD 0.04%), and has an allele count higher than expected for a pathogenic variant. This missense change has been observed in individual(s) with clinical features of Alzheimer disease (PMID: 34922638). ClinVar contains an entry for this variant (Variation ID: 2146944). An algorithm developed to predict the effect of missense changes on protein structure and function (PolyPhen-2) suggests that this variant is likely to be tolerated. Experimental studies are conflicting or provide insufficient evidence to determine the effect of this variant on SORL1 function (PMID: 34922638). In summary, the available evidence is currently insufficient to determine the role of this variant in disease. Therefore, it has been classified as a Variant of Uncertain Significance.

PreventionGenetics, part of Exact Sciences
Classification: Uncertain significance for SORL1-related condition. Last evaluated: 2025-01-29. Review status: criteria provided, single submitter. Criteria: ACMG Guidelines, 2015. Collection method: clinical testing. Allele origin: germline.
Comment: The SORL1 c.227C>T variant is predicted to result in the amino acid substitution p.Pro76Leu. To our knowledge, this variant has not been reported in the literature. This variant is reported in 0.039% of alleles in individuals of European (Non-Finnish) descent in gnomAD. At this time, the clinical significance of this variant is uncertain due to the absence of conclusive functional and genetic evidence.

Literature cited by the submitters: PubMed 34922638 (cited by Labcorp Genetics (formerly Invitae), Labcorp).

NM_003105.6(SORL1):c.227C>T (p.Pro76Leu)

Genes: SORL1 (sortilin related receptor 1; plus strand), SORL1-AS1 (SORL1 antisense RNA 1; minus strand). Cytogenetic location: 11q24.1.
Variant type: single nucleotide variant.
Coding change: c.227C>T on transcript NM_003105.6 (MANE Select); coding-DNA position 227, C replaced by T.
Protein change: p.Pro76Leu; replaces proline 76 with leucine.
Molecular consequence: missense variant.
Genome position (GRCh38, 1-based): chr11:121,452,558, C>T. VCF-style: chr11-121452558-C-T. GRCh37 (hg19) VCF-style: chr11-121323267-C-T.
Other names: c.227C>T (NM_003105.5); short protein forms P76L.
Identifiers: ClinVar variation 2146944 (VCV002146944.5), dbSNP rs372705427, ClinGen allele CA6328300.